The following is an entry in ClinVar:

ClinVar aggregate classification (germline): Uncertain significance. Review status: criteria provided, multiple submitters, no conflicts (2 of 4 stars). 3 submissions from 3 submitters: Uncertain significance (3). Last evaluated 2024-03-31.

Conditions:
Bethlem myopathy 1A. Also called: Bethlem Muscular Dystrophy; Bethlem myopathy 1; MYOPATHY, BENIGN CONGENITAL, WITH CONTRACTURES. Identifiers: Orphanet 610, MedGen CN029274, MONDO:0024530, OMIM 158810.

Allele frequency attached by ClinVar (database versions not stated): gnomAD 0.00001.
gnomAD v4.1: 1 of 1,576,230 alleles (0.000063%); highest among the groups gnomAD compares: Admixed American, 0.0018%; no homozygotes.

Submissions (3):

GeneDx
Classification: Uncertain significance. Last evaluated: 2024-03-31. Review status: criteria provided, single submitter. Criteria: GeneDx Variant Classification Process June 2021. Collection method: clinical testing. Allele origin: germline. Affected: yes.
Comment: Not observed at significant frequency in large population cohorts (gnomAD); In silico analysis supports that this missense variant has a deleterious effect on protein structure/function; Has not been previously published as pathogenic or benign to our knowledge

Mayo Clinic Laboratories, Mayo Clinic
Classification: Uncertain significance. Last evaluated: 2024-03-15. Review status: criteria provided, single submitter. Criteria: ACMG Guidelines, 2015. Collection method: clinical testing. Allele origin: germline. Observed: 1 variant allele.

Labcorp Genetics (formerly Invitae), Labcorp
Classification: Uncertain significance for Bethlem myopathy 1A. Last evaluated: 2022-03-14. Review status: criteria provided, single submitter. Criteria: Invitae Variant Classification Sherloc (09022015). Collection method: clinical testing. Allele origin: germline.
Comment: This sequence change replaces phenylalanine, which is neutral and non-polar, with cysteine, which is neutral and slightly polar, at codon 882 of the COL6A2 protein (p.Phe882Cys). In summary, the available evidence is currently insufficient to determine the role of this variant in disease. Therefore, it has been classified as a Variant of Uncertain Significance. Advanced modeling of protein sequence and biophysical properties (such as structural, functional, and spatial information, amino acid conservation, physicochemical variation, residue mobility, and thermodynamic stability) performed at Invitae indicates that this missense variant is not expected to disrupt COL6A2 protein function. This variant has not been reported in the literature in individuals affected with COL6A2-related conditions. This variant is not present in population databases (gnomAD no frequency).

NM_001849.4(COL6A2):c.2645T>G (p.Phe882Cys)

Gene: COL6A2 (collagen type VI alpha 2 chain; plus strand). Cytogenetic location: 21q22.3.
Variant type: single nucleotide variant.
Coding change: c.2645T>G on transcript NM_001849.4 (MANE Select); coding-DNA position 2645, T replaced by G.
Protein change: p.Phe882Cys; replaces phenylalanine 882 with cysteine.
Molecular consequence: missense variant.
Genome position (GRCh38, 1-based): chr21:46,132,137, T>G. VCF-style: chr21-46132137-T-G. GRCh37 (hg19) VCF-style: chr21-47552051-T-G.
Other names: p.Phe882Cys; short protein forms F882C.
Identifiers: ClinVar variation 2164304 (VCV002164304.6), dbSNP rs771193919, ClinGen allele CA410548760.